The following is an entry in ClinVar:

NM_001267.3(CHAD):c.1025C>A (p.Ala342Asp)

Genes: ACSF2 (acyl-CoA synthetase family member 2; plus strand), CHAD (chondroadherin; minus strand). Cytogenetic location: 17q21.33.
Variant type: single nucleotide variant.
Coding change: c.1025C>A on transcript NM_001267.3 (MANE Select); coding-DNA position 1025, C replaced by A.
Protein change: p.Ala342Asp; replaces alanine 342 with aspartic acid.
Molecular consequence: missense variant. On other transcripts: intron variant (6).
Genome position (GRCh38, 1-based): chr17:50,465,353, G>T on the plus strand (C>A on the coding strand, the complement: CHAD is on the minus strand). VCF-style: chr17-50465353-G-T. GRCh37 (hg19) VCF-style: chr17-48542714-G-T.
Other names: c.1290+1059G>T (NM_001288968.2); c.1215+1059G>T (NM_025149.6); c.1176+1059G>T (NM_001288969.2); c.735+1059G>T (NM_001288972.2, NM_001288971.2); c.1086+1059G>T (NM_001288970.2); short protein forms A342D.
Identifiers: ClinVar variation 3770411 (VCV003770411.13).

ClinVar aggregate classification (germline): Likely benign (1 of 4 stars; one submission).

gnomAD v4.1: 7,772 of 1,614,094 alleles (0.48%); highest among the groups gnomAD compares: Non-Finnish European, 0.57%; 27 homozygotes.

Submission:

CeGaT Center for Human Genetics Tuebingen
Classification: Likely benign. Last evaluated: 2024-12-01. Review status: criteria provided, single submitter. Criteria: CeGaT Center For Human Genetics Tuebingen Variant Classification Criteria Version 2. Collection method: clinical testing. Allele origin: germline. Affected: yes. Observed: 1 variant allele.
Comment: CHAD: BS2